The following is an entry in ClinVar:

NM_003872.3(NRP2):c.2425+9570C>T

Gene: NRP2 (neuropilin 2; plus strand). Cytogenetic location: 2q33.3.
Variant type: single nucleotide variant.
Coding change: c.2425+9570C>T on transcript NM_003872.3 (MANE Select); 9570 bases into the intron after coding-DNA position 2425, C replaced by T.
Molecular consequence: intron variant. On other transcripts: synonymous variant (2).
Genome position (GRCh38, 1-based): chr2:205,776,373, C>T. VCF-style: chr2-205776373-C-T. GRCh37 (hg19) VCF-style: chr2-206641097-C-T.
Other names: c.2568C>T, p.Ala856= (NM_018534.4); c.2553C>T, p.Ala851= (NM_201267.2); c.2440+9555C>T (NM_201266.2); c.2425+9570C>T (NM_201279.2).
Identifiers: ClinVar variation 4988867 (VCV004988867.1).

ClinVar aggregate classification (germline): Likely benign (1 of 4 stars; one submission).

Conditions:
NRP2-related disorder. Also called: NRP2-related condition.

gnomAD v4.1: 1 of 1,613,270 alleles (0.000062%); highest among the groups gnomAD compares: Non-Finnish European, 0.000085%; no homozygotes.

Submission:

PreventionGenetics, part of Exact Sciences
Classification: Likely benign for NRP2-related condition. Last evaluated: 2026-04-30. Review status: criteria provided, single submitter. Criteria: ACMG Guidelines, 2015. Collection method: clinical testing. Allele origin: germline.
Comment: This variant is classified as likely benign based on ACMG/AMP sequence variant interpretation guidelines (Richards et al. 2015 PMID: 25741868, with internal and published modifications).